The following is an entry in ClinVar:

NM_001182.5(ALDH7A1):c.1373G>A (p.Ser458Asn)

Gene: ALDH7A1 (aldehyde dehydrogenase 7 family member A1; minus strand). Cytogenetic location: 5q23.2.
Variant type: single nucleotide variant.
Coding change: c.1373G>A on transcript NM_001182.5 (MANE Select); coding-DNA position 1373, G replaced by A.
Protein change: p.Ser458Asn; replaces serine 458 with asparagine.
Molecular consequence: missense variant.
Genome position (GRCh38, 1-based): chr5:126,550,238, C>T on the plus strand (G>A on the coding strand, the complement: ALDH7A1 is on the minus strand). VCF-style: chr5-126550238-C-T. GRCh37 (hg19) VCF-style: chr5-125885930-C-T.
Other names: c.1289G>A, p.Ser430Asn (NM_001201377.2); c.1181G>A, p.Ser394Asn (NM_001202404.2); short protein forms S430N, S458N, S394N.
Identifiers: ClinVar variation 2136322 (VCV002136322.4), dbSNP rs2480252690, ClinGen allele CA360721594.

ClinVar aggregate classification (germline): Pathogenic (1 of 4 stars; one submission).

Conditions:
Pyridoxine-dependent epilepsy (EPEO4). Also called: Pyridoxine-Dependent Seizures; Pyridoxine-Dependent Epilepsy - ALDH7A1; PYRIDOXINE DEPENDENCY WITH SEIZURES; EPILEPSY, EARLY-ONSET, 4, VITAMIN B6-DEPENDENT. Identifiers: Orphanet 3006, MedGen C1849508, MONDO:0009945, OMIM 266100. Disease mechanism: loss of function.

Submission:

Labcorp Genetics (formerly Invitae), Labcorp
Classification: Pathogenic for Pyridoxine-dependent epilepsy. Last evaluated: 2022-07-30. Review status: criteria provided, single submitter. Criteria: Invitae Variant Classification Sherloc (09022015). Collection method: clinical testing. Allele origin: germline.
Comment: This sequence change replaces serine, which is neutral and polar, with asparagine, which is neutral and polar, at codon 458 of the ALDH7A1 protein (p.Ser458Asn). This variant is not present in population databases (gnomAD no frequency). This missense change has been observed in individual(s) with pyridoxine-dependent epilepsy (PMID: 17068770). It has also been observed to segregate with disease in related individuals. This variant is also known as p.Ser430Asn. Advanced modeling of protein sequence and biophysical properties (such as structural, functional, and spatial information, amino acid conservation, physicochemical variation, residue mobility, and thermodynamic stability) performed at Invitae indicates that this missense variant is expected to disrupt ALDH7A1 protein function. Experimental studies have shown that this missense change affects ALDH7A1 function (PMID: 22784480, 30043187). For these reasons, this variant has been classified as Pathogenic.

Literature cited by the submitters: PubMed 17068770; PubMed 22784480; PubMed 30043187.